The following is an entry in ClinVar:

ClinVar aggregate classification (germline): Uncertain significance (1 of 4 stars; one submission).

Conditions:
Hereditary cancer-predisposing syndrome. Also called: Neoplastic Syndromes, Hereditary; Tumor predisposition; Hereditary Cancer Syndrome; Hereditary neoplastic syndrome. Identifiers: Orphanet 140162, MedGen C0027672, MeSH D009386, MONDO:0015356.

Submission:

Ambry Genetics
Classification: Uncertain significance for Hereditary cancer-predisposing syndrome. Last evaluated: 2019-11-22. Review status: criteria provided, single submitter. Criteria: Ambry Variant Classification Scheme 2023. Collection method: clinical testing. Allele origin: germline.
Comment: The p.K291T variant (also known as c.872A>C), located in coding exon 10 of the BAP1 gene, results from an A to C substitution at nucleotide position 872. The lysine at codon 291 is replaced by threonine, an amino acid with similar properties. This amino acid position is highly conserved in available vertebrate species. In addition, the in silico prediction for this alteration is inconclusive. Since supporting evidence is limited at this time, the clinical significance of this alteration remains unclear.

NM_004656.4(BAP1):c.872A>C (p.Lys291Thr)

Gene: BAP1 (BRCA1 associated deubiquitinase 1; minus strand). Cytogenetic location: 3p21.1.
Variant type: single nucleotide variant.
Coding change: c.872A>C on transcript NM_004656.4 (MANE Select); coding-DNA position 872, A replaced by C.
Protein change: p.Lys291Thr; replaces lysine 291 with threonine.
Molecular consequence: missense variant.
Genome position (GRCh38, 1-based): chr3:52,405,824, T>G on the plus strand (A>C on the coding strand, the complement: BAP1 is on the minus strand). VCF-style: chr3-52405824-T-G. GRCh37 (hg19) VCF-style: chr3-52439840-T-G.
Other names: c.818A>C, p.Lys273Thr (NM_001410772.1); short protein forms K273T, K291T.
Identifiers: ClinVar variation 1764461 (VCV001764461.2), dbSNP rs2471340660, ClinGen allele CA353106688.